The following is an entry in ClinVar:

NM_152328.5(ADSS1):c.509C>T (p.Thr170Ile)

Gene: ADSS1 (adenylosuccinate synthase 1; plus strand). Cytogenetic location: 14q32.33.
Variant type: single nucleotide variant.
Coding change: c.509C>T on transcript NM_152328.5 (MANE Select); coding-DNA position 509, C replaced by T.
Protein change: p.Thr170Ile; replaces threonine 170 with isoleucine.
Molecular consequence: missense variant. On other transcripts: 5 prime UTR variant (1).
Genome position (GRCh38, 1-based): chr14:104,740,633, C>T. VCF-style: chr14-104740633-C-T. GRCh37 (hg19) VCF-style: chr14-105206970-C-T.
Other names: c.-107C>T (NM_001320424.1); c.638C>T, p.Thr213Ile (NM_199165.2); c.638C>T (NM_199165.1); short protein forms T170I, T213I.
Identifiers: ClinVar variation 1681936 (VCV001681936.6), dbSNP rs757496228, ClinGen allele CA7373727.
Genomic context (GRCh38, chr14:104,740,633, plus strand): 5'-TCATGGGTACCCACTCCCCATCTTTCAGTATAGGCACCACCAAGAAGGGAATCGGACCAA[C>T]CTACTCTTCCAAAGCTGCCCGGACAGGCCTCCGCATCTGCGACCTCCTGTCAGATTTTGA-3'
Protein context (NP_689541.1, residues 160-180): IGTTKKGIGP[Thr170Ile]YSSKAARTGL

ClinVar aggregate classification (germline): Uncertain significance. Review status: criteria provided, multiple submitters, no conflicts (2 of 4 stars). 2 submissions from 2 submitters: Uncertain significance (2). Last evaluated 2025-08-18.

Conditions:
Inborn genetic diseases. Identifiers: MedGen C0950123, MeSH D030342.

Allele frequency attached by ClinVar (database versions not stated): gnomAD 0.00007 and 0.00008; gnomAD exomes 0.00008; ExAC 0.00009; TOPMed 0.00013.
gnomAD v4.1: 62 of 1,613,876 alleles (0.0038%); highest among the groups gnomAD compares: Admixed American, 0.022%; no homozygotes.

Submissions (2):

Labcorp Genetics (formerly Invitae), Labcorp
Classification: Uncertain significance. Last evaluated: 2025-08-18. Review status: criteria provided, single submitter. Criteria: Invitae Variant Classification Sherloc (09022015). Collection method: clinical testing. Allele origin: germline.
Comment: This sequence change replaces threonine, which is neutral and polar, with isoleucine, which is neutral and non-polar, at codon 213 of the ADSSL1 protein (p.Thr213Ile). This variant is present in population databases (rs757496228, gnomAD 0.02%). This variant has not been reported in the literature in individuals affected with ADSSL1-related conditions. ClinVar contains an entry for this variant (Variation ID: 1681936). An algorithm developed to predict the effect of missense changes on protein structure and function (PolyPhen-2) suggests that this variant is likely to be disruptive. In summary, the available evidence is currently insufficient to determine the role of this variant in disease. Therefore, it has been classified as a Variant of Uncertain Significance.

Ambry Genetics
Classification: Uncertain significance for Inborn genetic diseases. Last evaluated: 2024-05-09. Review status: criteria provided, single submitter. Criteria: Ambry Variant Classification Scheme 2023. Collection method: clinical testing. Allele origin: germline.